The following is an entry in ClinVar:

NM_005762.3(TRIM28):c.921T>C (p.Asn307=)

Gene: TRIM28 (tripartite motif containing 28; plus strand). Cytogenetic location: 19q13.43.
Variant type: single nucleotide variant.
Coding change: c.921T>C on transcript NM_005762.3 (MANE Select); coding-DNA position 921, T replaced by C.
Protein change: p.Asn307=; no amino-acid change (asparagine 307 retained).
Molecular consequence: synonymous variant.
Genome position (GRCh38, 1-based): chr19:58,547,873, T>C. VCF-style: chr19-58547873-T-C. GRCh37 (hg19) VCF-style: chr19-59059240-T-C.
Identifiers: ClinVar variation 4084379 (VCV004084379.8).

ClinVar aggregate classification (germline): Likely benign (1 of 4 stars; one submission).

gnomAD v4.1: 1 of 1,614,078 alleles (0.000062%); highest among the groups gnomAD compares: Non-Finnish European, 0.000085%; no homozygotes.

Submission:

CeGaT Center for Human Genetics Tuebingen
Classification: Likely benign. Last evaluated: 2025-08-01. Review status: criteria provided, single submitter. Criteria: CeGaT Center For Human Genetics Tuebingen Variant Classification Criteria Version 2. Collection method: clinical testing. Allele origin: germline. Affected: yes. Observed: 1 variant allele.
Comment: TRIM28: BP4, BP7